The following is an entry in ClinVar:

NM_013352.4(DSE):c.418T>C (p.Leu140=)

Gene: DSE (dermatan sulfate epimerase; plus strand). Cytogenetic location: 6q22.1.
Variant type: single nucleotide variant.
Coding change: c.418T>C on transcript NM_013352.4 (MANE Select); coding-DNA position 418, T replaced by C.
Protein change: p.Leu140=; no amino-acid change (leucine 140 retained).
Molecular consequence: synonymous variant. On other transcripts: 5 prime UTR variant (4), non-coding transcript variant (1).
Genome position (GRCh38, 1-based): chr6:116,426,575, T>C. VCF-style: chr6-116426575-T-C. GRCh37 (hg19) VCF-style: chr6-116747738-T-C.
Other names: c.418T>C, p.Leu140= (NM_001080976.3, NM_001322937.2, NM_001322938.2 and 3 more transcripts); c.475T>C, p.Leu159= (NM_001322939.2); c.-144T>C (NM_001322940.2, NM_001322941.2); c.-483T>C (NM_001374520.1); c.-170T>C (NM_001374521.1).
Identifiers: ClinVar variation 3769474 (VCV003769474.2).
Genomic context (GRCh38, chr6:116,426,575, plus strand): 5'-AGTGTGGTGAAAGCTGTGAGTCTGATGAACTCATTTCCATGATTTATTTTCCTTTACAGG[T>C]TGGTGAAAGATGCTCCTTGGGATGAGGTCCCGCTTGCTCACTCCCTGGTTGGTTTTGCCA-3'
Protein context (NP_037484.1, residues 130-150): MERMAAQPSW[Leu140=]VKDAPWDEVP

ClinVar aggregate classification (germline): Uncertain significance (1 of 4 stars; one submission).

Submission:

Women's Health and Genetics/Laboratory Corporation of America, LabCorp
Classification: Uncertain significance. Last evaluated: 2025-01-23. Review status: criteria provided, single submitter. Criteria: LabCorp Variant Classification Summary - May 2015. Collection method: clinical testing. Allele origin: germline.
Comment: Variant summary: DSE c.418T>C (p.Leu140Leu) alters a conserved nucleotide located close to a canonical splice site and therefore could affect mRNA splicing, leading to a significantly altered protein sequence. Consensus agreement among computation tools predict no significant impact on normal splicing. However, these predictions have yet to be confirmed by functional studies. The variant was absent in 250864 control chromosomes (gnomAD). The available data on variant occurrences in the general population are insufficient to allow any conclusion about variant significance. To our knowledge, no occurrence of c.418T>C in individuals affected with Ehlers-Danlos syndrome, musculocontractural type 2 and no experimental evidence demonstrating its impact on protein function have been reported. No submitters have cited clinical-significance assessments for this variant to ClinVar. Based on the evidence outlined above, the variant was classified as uncertain significance.